The following is an entry in ClinVar:

ClinVar aggregate classification (germline): Conflicting classifications of pathogenicity. Review status: criteria provided, conflicting classifications (1 of 4 stars). 3 submissions from 3 submitters: Uncertain significance (2); Likely benign (1). Last evaluated 2023-06-30.

Conditions:
Inborn genetic diseases. Identifiers: MedGen C0950123, MeSH D030342.

Allele frequency attached by ClinVar (database versions not stated): ExAC 0.00001; gnomAD exomes 0.00001.
gnomAD v4.1: 32 of 1,613,756 alleles (0.002%); highest among the groups gnomAD compares: Non-Finnish European, 0.0021%; no homozygotes.

Submissions (3):

Ambry Genetics
Classification: Likely benign for Inborn genetic diseases. Last evaluated: 2023-06-30. Review status: criteria provided, single submitter. Criteria: Ambry Variant Classification Scheme 2023. Collection method: clinical testing. Allele origin: germline.

Blueprint Genetics
Classification: Uncertain significance. Last evaluated: 2023-06-07. Review status: criteria provided, single submitter. Criteria: ACMG Guidelines, 2015. Collection method: clinical testing. Allele origin: germline.

Labcorp Genetics (formerly Invitae), Labcorp
Classification: Uncertain significance. Last evaluated: 2022-08-23. Review status: criteria provided, single submitter. Criteria: Invitae Variant Classification Sherloc (09022015). Collection method: clinical testing. Allele origin: germline.
Comment: This sequence change replaces aspartic acid, which is acidic and polar, with asparagine, which is neutral and polar, at codon 677 of the LCA5 protein (p.Asp677Asn). This variant is present in population databases (rs367583144, gnomAD 0.003%). This variant has not been reported in the literature in individuals affected with LCA5-related conditions. ClinVar contains an entry for this variant (Variation ID: 1360089). Algorithms developed to predict the effect of missense changes on protein structure and function output the following: SIFT: "Tolerated"; PolyPhen-2: "Benign"; Align-GVGD: "Class C0". The asparagine amino acid residue is found in multiple mammalian species, which suggests that this missense change does not adversely affect protein function. In summary, the available evidence is currently insufficient to determine the role of this variant in disease. Therefore, it has been classified as a Variant of Uncertain Significance.

NM_001122769.3(LCA5):c.2029G>A (p.Asp677Asn)

Gene: LCA5 (lebercilin LCA5; minus strand). Cytogenetic location: 6q14.1.
Variant type: single nucleotide variant.
Coding change: c.2029G>A on transcript NM_001122769.3 (MANE Select); coding-DNA position 2029, G replaced by A.
Protein change: p.Asp677Asn; replaces aspartic acid 677 with asparagine.
Molecular consequence: missense variant.
Genome position (GRCh38, 1-based): chr6:79,487,069, C>T on the plus strand (G>A on the coding strand, the complement: LCA5 is on the minus strand). VCF-style: chr6-79487069-C-T. GRCh37 (hg19) VCF-style: chr6-80196786-C-T.
Other names: c.2029G>A (NM_181714.3); c.2029G>A, p.Asp677Asn (NM_181714.4); short protein forms D677N.
Identifiers: ClinVar variation 1360089 (VCV001360089.7), dbSNP rs367583144, ClinGen allele CA3900735.